The following is an entry in ClinVar:

ClinVar aggregate classification (germline): Uncertain significance. Review status: criteria provided, multiple submitters, no conflicts (2 of 4 stars). 2 submissions from 2 submitters: Uncertain significance (2). Last evaluated 2024-03-08.

Allele frequency attached by ClinVar (database versions not stated): ExAC 0.00001; gnomAD 0.00001; gnomAD exomes 0.00001.
gnomAD v4.1: 15 of 1,601,078 alleles (0.00094%); highest among the groups gnomAD compares: Non-Finnish European, 0.0012%; no homozygotes.

Submissions (3):

Mayo Clinic Laboratories, Mayo Clinic
Classification: Uncertain significance. Last evaluated: 2024-03-08. Review status: criteria provided, single submitter. Criteria: ACMG Guidelines, 2015. Collection method: clinical testing. Allele origin: germline. Observed: 1 variant allele.

Labcorp Genetics (formerly Invitae), Labcorp
Classification: Uncertain significance. Last evaluated: 2022-02-27. Review status: criteria provided, single submitter. Criteria: Invitae Variant Classification Sherloc (09022015). Collection method: clinical testing. Allele origin: germline.
Comment: This sequence change falls in intron 2 of the MCM3AP gene. It does not directly change the encoded amino acid sequence of the MCM3AP protein. It affects a nucleotide within the consensus splice site. This variant is present in population databases (rs771048180, gnomAD 0.003%). This variant has not been reported in the literature in individuals affected with MCM3AP-related conditions. Variants that disrupt the consensus splice site are a relatively common cause of aberrant splicing (PMID: 17576681, 9536098). Algorithms developed to predict the effect of sequence changes on RNA splicing suggest that this variant may create or strengthen a splice site. In summary, the available evidence is currently insufficient to determine the role of this variant in disease. Therefore, it has been classified as a Variant of Uncertain Significance.

Dr. Peter K. Rogan Lab, Western University
No classification provided (evidence only). Condition: Ovarian serous cystadenocarcinoma. Review status: no classification provided. Collection method: in vitro. Allele origin: not applicable. Functional consequence: retained intron. Not counted in ClinVar's aggregate classification.

Literature cited by the submitters: PubMed 17576681 (cited by Labcorp Genetics (formerly Invitae), Labcorp); PubMed 9536098 (cited by Labcorp Genetics (formerly Invitae), Labcorp).

NM_003906.5(MCM3AP):c.1443+4A>G

Gene: MCM3AP (minichromosome maintenance complex component 3 associated protein; minus strand). Cytogenetic location: 21q22.3.
Variant type: single nucleotide variant.
Coding change: c.1443+4A>G on transcript NM_003906.5 (MANE Select); 4 bases into the intron after coding-DNA position 1443, A replaced by G.
Molecular consequence: intron variant.
Genome position (GRCh38, 1-based): chr21:46,283,611, T>C on the plus strand (A>G on the coding strand, the complement: MCM3AP is on the minus strand). VCF-style: chr21-46283611-T-C. GRCh37 (hg19) VCF-style: chr21-47703525-T-C.
Other names: p.?.
Identifiers: ClinVar variation 1423218 (VCV001423218.5), dbSNP rs771048180, ClinGen allele CA10077101.